The following is an entry in ClinVar:

ClinVar aggregate classification (germline): Conflicting classifications of pathogenicity. Review status: criteria provided, conflicting classifications (1 of 4 stars). 3 submissions from 3 submitters: Uncertain significance (1); Likely benign (2). Last evaluated 2025-10-01.

Conditions:
Inborn genetic diseases. Identifiers: MedGen C0950123, MeSH D030342.

Allele frequency attached by ClinVar (database versions not stated): gnomAD exomes 0.00004 and 0.00007; ExAC 0.00012; 1000 Genomes Project 30x 0.00016; 1000 Genomes Project 0.00020; gnomAD 0.00034 and 0.00036; ESP Exome Variant Server 0.00046; TOPMed 0.00046.
gnomAD v4.1: 108 of 1,614,084 alleles (0.0067%); highest among the groups gnomAD compares: African/African-American, 0.13%; no homozygotes.

Submissions (3):

Labcorp Genetics (formerly Invitae), Labcorp
Classification: Likely benign. Last evaluated: 2025-10-01. Review status: criteria provided, single submitter. Criteria: Invitae Variant Classification Sherloc (09022015). Collection method: clinical testing. Allele origin: germline.

CeGaT Center for Human Genetics Tuebingen
Classification: Likely benign. Last evaluated: 2023-02-01. Review status: criteria provided, single submitter. Criteria: CeGaT Center For Human Genetics Tuebingen Variant Classification Criteria Version 2. Collection method: clinical testing. Allele origin: germline. Affected: yes. Observed: 1 variant allele.
Comment: TNFAIP3: BS1

Ambry Genetics
Classification: Uncertain significance for Inborn genetic diseases. Last evaluated: 2021-10-12. Review status: criteria provided, single submitter. Criteria: Ambry Variant Classification Scheme 2023. Collection method: clinical testing. Allele origin: germline.

NM_001270508.2(TNFAIP3):c.1344G>C (p.Trp448Cys)

Gene: TNFAIP3 (TNF alpha induced protein 3; plus strand). Cytogenetic location: 6q23.3.
Variant type: single nucleotide variant.
Coding change: c.1344G>C on transcript NM_001270508.2 (MANE Select); coding-DNA position 1344, G replaced by C.
Protein change: p.Trp448Cys; replaces tryptophan 448 with cysteine.
Molecular consequence: missense variant.
Genome position (GRCh38, 1-based): chr6:137,878,789, G>C. VCF-style: chr6-137878789-G-C. GRCh37 (hg19) VCF-style: chr6-138199926-G-C.
Other names: c.1344G>C (NM_006290.2); c.1344G>C, p.Trp448Cys (NM_001270507.2, NM_006290.4); short protein forms W448C.
Identifiers: ClinVar variation 1596885 (VCV001596885.33), dbSNP rs143619694, ClinGen allele CA4019624.